The following is an entry in ClinVar:

NM_002202.3(ISL1):c.219-4A>G

Gene: ISL1 (ISL LIM homeobox 1; plus strand). Cytogenetic location: 5q11.1.
Variant type: single nucleotide variant.
Coding change: c.219-4A>G on transcript NM_002202.3 (MANE Select); 4 bases into the intron before coding-DNA position 219, A replaced by G.
Molecular consequence: intron variant.
Genome position (GRCh38, 1-based): chr5:51,387,486, A>G. VCF-style: chr5-51387486-A-G. GRCh37 (hg19) VCF-style: chr5-50683320-A-G.
Identifiers: ClinVar variation 3029087 (VCV003029087.2), dbSNP rs370285464, ClinGen allele CA3260947.

ClinVar aggregate classification (germline): Likely benign (0 of 4 stars; one submission).

Conditions:
ISL1-related disorder. Also called: ISL1-related condition.

Allele frequency attached by ClinVar (database versions not stated): gnomAD exomes 0.00001; ESP Exome Variant Server 0.00008; gnomAD 0.00010; TOPMed 0.00012.
gnomAD v4.1: 27 of 1,613,556 alleles (0.0017%); highest among the groups gnomAD compares: African/African-American, 0.031%; no homozygotes.

Submission:

PreventionGenetics, part of Exact Sciences
Classification: Likely benign for ISL1-related condition. Last evaluated: 2022-10-18. Review status: no assertion criteria provided. Collection method: clinical testing. Allele origin: germline.
Comment: This variant is classified as likely benign based on ACMG/AMP sequence variant interpretation guidelines (Richards et al. 2015 PMID: 25741868, with internal and published modifications).